The following is an entry in ClinVar:

NM_001077653.2(TBX20):c.133T>C (p.Phe45Leu)

Gene: TBX20 (T-box transcription factor 20; minus strand). Cytogenetic location: 7p14.2.
Variant type: single nucleotide variant.
Coding change: c.133T>C on transcript NM_001077653.2 (MANE Select); coding-DNA position 133, T replaced by C.
Protein change: p.Phe45Leu; replaces phenylalanine 45 with leucine.
Molecular consequence: missense variant.
Genome position (GRCh38, 1-based): chr7:35,250,198, A>G on the plus strand (T>C on the coding strand, the complement: TBX20 is on the minus strand). VCF-style: chr7-35250198-A-G. GRCh37 (hg19) VCF-style: chr7-35289810-A-G.
Other names: c.133T>C, p.Phe45Leu (NM_001166220.1); short protein forms F45L.
Identifiers: ClinVar variation 2585863 (VCV002585863.2), dbSNP rs771377074, ClinGen allele CA4217571.

ClinVar aggregate classification (germline): Uncertain significance (1 of 4 stars; one submission).

Conditions:
Cardiovascular phenotype. Identifiers: MedGen CN230736.

Allele frequency attached by ClinVar (database versions not stated): ExAC 0.00001; gnomAD exomes 0.00001.

Submission:

Ambry Genetics
Classification: Uncertain significance for Cardiovascular phenotype. Last evaluated: 2023-08-11. Review status: criteria provided, single submitter. Criteria: Ambry Variant Classification Scheme 2023. Collection method: clinical testing. Allele origin: germline.
Comment: The p.F45L variant (also known as c.133T>C), located in coding exon 2 of the TBX20 gene, results from a T to C substitution at nucleotide position 133. The phenylalanine at codon 45 is replaced by leucine, an amino acid with highly similar properties. This amino acid position is conserved. In addition, the in silico prediction for this alteration is inconclusive. Since supporting evidence is limited at this time, the clinical significance of this alteration remains unclear.